The following is an entry in ClinVar:

ClinVar aggregate classification (germline): Uncertain significance (1 of 4 stars; one submission).

Conditions:
Fanconi anemia (FA). Also called: Fanconi's anemia. Identifiers: Orphanet 84, MedGen C0015625, MeSH D005199, MONDO:0019391.

gnomAD v4.1: 1 of 1,606,790 alleles (0.000062%); highest among the groups gnomAD compares: South Asian, 0.0011%; no homozygotes.

Submission:

Labcorp Genetics (formerly Invitae), Labcorp
Classification: Uncertain significance for Fanconi anemia. Last evaluated: 2023-02-25. Review status: criteria provided, single submitter. Criteria: Invitae Variant Classification Sherloc (09022015). Collection method: clinical testing. Allele origin: germline.
Comment: In summary, the available evidence is currently insufficient to determine the role of this variant in disease. Therefore, it has been classified as a Variant of Uncertain Significance. Variants that disrupt the consensus splice site are a relatively common cause of aberrant splicing (PMID: 17576681, 9536098). Algorithms developed to predict the effect of sequence changes on RNA splicing suggest that this variant is not likely to affect RNA splicing. This variant has not been reported in the literature in individuals affected with FANCD2-related conditions. This variant is present in population databases (rs779808366, gnomAD 0.003%). This sequence change falls in intron 19 of the FANCD2 gene. It does not directly change the encoded amino acid sequence of the FANCD2 protein. It affects a nucleotide within the consensus splice site.

Literature cited by the submitters: PubMed 17576681; PubMed 9536098.

NM_001018115.3(FANCD2):c.1766+4C>T

Genes: FANCD2 (FA complementation group D2; plus strand), LOC107303338 (3p25 FANCD2 Alu-mediated recombination region; plus strand). Cytogenetic location: 3p25.3.
Variant type: single nucleotide variant.
Coding change: c.1766+4C>T on transcript NM_001018115.3 (MANE Select); 4 bases into the intron after coding-DNA position 1766, C replaced by T.
Molecular consequence: intron variant.
Genome position (GRCh38, 1-based): chr3:10,060,407, C>T. VCF-style: chr3-10060407-C-T. GRCh37 (hg19) VCF-style: chr3-10102091-C-T.
Other names: c.1766+4C>T (NM_001319984.2, NM_033084.6, NM_001374254.1); c.1655+4C>T (NM_001374253.1).
Identifiers: ClinVar variation 2742090 (VCV002742090.3), dbSNP rs779808366, ClinGen allele CA2249777.
Genomic context (GRCh38, chr3:10,060,407, plus strand): 5'-CAAGCTCATTGGGATTATTGGTGCTGTGACCATGGCTGGCATCATGGCGGCAGACAGGTA[C>T]ACGTGGAGATTCTGACTTCTGTGGTTTAAGATCAGTTAATCTTGCTAACTAAGTGTTACA-3'